The following is an entry in ClinVar:

ClinVar aggregate classification (germline): Pathogenic. Review status: criteria provided, single submitter (1 of 4 stars). 2 submissions from 2 submitters: Pathogenic (1). 1 of the submissions does not count toward it. Last evaluated 2025-01-27.

Conditions:
Wilson disease (WND). Also called: Wilson's disease. Identifiers: Orphanet 905, MedGen C0019202, MONDO:0010200, OMIM 277900. Disease mechanism: loss of function.

Submissions (2):

Labcorp Genetics (formerly Invitae), Labcorp
Classification: Pathogenic for Wilson disease. Last evaluated: 2025-01-27. Review status: criteria provided, single submitter. Criteria: Invitae Variant Classification Sherloc (09022015). Collection method: clinical testing. Allele origin: germline.
Comment: This sequence change affects an acceptor splice site in intron 4 of the ATP7B gene. It is expected to disrupt RNA splicing. Variants that disrupt the donor or acceptor splice site typically lead to a loss of protein function (PMID: 16199547), and loss-of-function variants in ATP7B are known to be pathogenic (PMID: 10441329, 16283883). This variant is not present in population databases (gnomAD no frequency). Disruption of this splice site has been observed in individuals with Wilson disease (PMID: 7626145, 9829905, 27398169). ClinVar contains an entry for this variant (Variation ID: 371120). Algorithms developed to predict the effect of sequence changes on RNA splicing suggest that this variant may disrupt the consensus splice site. For these reasons, this variant has been classified as Pathogenic.

Counsyl
Classification: Likely pathogenic for Wilson disease. Last evaluated: 2016-07-08. Review status: no assertion criteria provided. Collection method: clinical testing. Allele origin: unknown. Not counted in ClinVar's aggregate classification.

Literature cited by the submitters: PubMed 16199547 (cited by Labcorp Genetics (formerly Invitae), Labcorp); PubMed 10441329 (cited by Labcorp Genetics (formerly Invitae), Labcorp); PubMed 16283883 (cited by Labcorp Genetics (formerly Invitae), Labcorp); PubMed 7626145 (cited by Labcorp Genetics (formerly Invitae), Labcorp); PubMed 9829905 (cited by Labcorp Genetics (formerly Invitae), Labcorp); PubMed 27398169 (cited by Labcorp Genetics (formerly Invitae), Labcorp).

NM_000053.4(ATP7B):c.1708-2A>G

Gene: ATP7B (ATPase copper transporting beta; minus strand). Cytogenetic location: 13q14.3.
Variant type: single nucleotide variant.
Coding change: c.1708-2A>G on transcript NM_000053.4 (MANE Select); the canonical splice acceptor site of the intron before coding-DNA position 1708, A replaced by G.
Molecular consequence: splice acceptor variant. On other transcripts: intron variant (3).
Genome position (GRCh38, 1-based): chr13:51,965,035, T>C on the plus strand (A>G on the coding strand, the complement: ATP7B is on the minus strand). VCF-style: chr13-51965035-T-C. GRCh37 (hg19) VCF-style: chr13-52539171-T-C.
Other names: c.1708-2A>G (NM_001406542.1, NM_001406540.1, NM_001330579.2 and 24 more transcripts); c.1279-2A>G (NM_001406539.1); c.1612-2A>G (NM_001406544.1, NM_001406536.1, NM_001406518.1 and 3 more transcripts); c.1375-2A>G (NM_001243182.2); c.1285+8900A>G (NM_001406548.1); c.1675-2A>G (NM_001406524.1, NM_001406514.1); c.1707+3409A>G (NM_001406547.1, NM_001406545.1).
Identifiers: ClinVar variation 371120 (VCV000371120.6), dbSNP rs1057517024, ClinGen allele CA16041676.
Genomic context (GRCh38, chr13:51,965,035, plus strand): 5'-GTCCTCGTGAGTTTGGACTCTATGTTGTGGACACAGGACGCGCAGGTCATCCCTGTGATC[T>C]GCAACACAGGATGGCAAGAATCCCACAGACCCAGGATCAAGGAAAGCCTGTGAAAGCCAG-3'